The following is an entry in ClinVar:

ClinVar aggregate classification (germline): Uncertain significance. Review status: criteria provided, multiple submitters, no conflicts (2 of 4 stars). 2 submissions from 2 submitters: Uncertain significance (2). Last evaluated 2024-09-09.

Conditions:
Inborn genetic diseases. Identifiers: MedGen C0950123, MeSH D030342.

Allele frequency attached by ClinVar (database versions not stated): ExAC 0.00002; gnomAD 0.00002; TOPMed 0.00002.
gnomAD v4.1: 41 of 1,611,936 alleles (0.0025%); highest among the groups gnomAD compares: Middle Eastern, 0.049%; no homozygotes.

Submissions (2):

Labcorp Genetics (formerly Invitae), Labcorp
Classification: Uncertain significance. Last evaluated: 2024-09-09. Review status: criteria provided, single submitter. Criteria: Invitae Variant Classification Sherloc (09022015). Collection method: clinical testing. Allele origin: germline.
Comment: This sequence change replaces methionine, which is neutral and non-polar, with lysine, which is basic and polar, at codon 324 of the DBR1 protein (p.Met324Lys). This variant is present in population databases (rs755716624, gnomAD 0.01%). This variant has not been reported in the literature in individuals affected with DBR1-related conditions. An algorithm developed to predict the effect of missense changes on protein structure and function (PolyPhen-2) suggests that this variant¬†is likely to be tolerated. Algorithms developed to predict the effect of sequence changes on RNA splicing suggest that this variant may create or strengthen a splice site. In summary, the available evidence is currently insufficient to determine the role of this variant in disease. Therefore, it has been classified as a Variant of Uncertain Significance.

Ambry Genetics
Classification: Uncertain significance for Inborn genetic diseases. Last evaluated: 2023-09-25. Review status: criteria provided, single submitter. Criteria: Ambry Variant Classification Scheme 2023. Collection method: clinical testing. Allele origin: germline.

NM_016216.4(DBR1):c.971T>A (p.Met324Lys)

Gene: DBR1 (debranching RNA lariats 1; minus strand). Cytogenetic location: 3q22.3.
Variant type: single nucleotide variant.
Coding change: c.971T>A on transcript NM_016216.4 (MANE Select); coding-DNA position 971, T replaced by A.
Protein change: p.Met324Lys; replaces methionine 324 with lysine.
Molecular consequence: missense variant.
Genome position (GRCh38, 1-based): chr3:138,162,553, A>T on the plus strand (T>A on the coding strand, the complement: DBR1 is on the minus strand). VCF-style: chr3-138162553-A-T. GRCh37 (hg19) VCF-style: chr3-137881395-A-T.
Other names: short protein forms M324K.
Identifiers: ClinVar variation 3080217 (VCV003080217.2), dbSNP rs755716624, ClinGen allele CA2635737.